The following is an entry in ClinVar:

NM_001852.4(COL9A2):c.538C>T (p.Pro180Ser)

Gene: COL9A2 (collagen type IX alpha 2 chain; minus strand). Cytogenetic location: 1p34.2.
Variant type: single nucleotide variant.
Coding change: c.538C>T on transcript NM_001852.4 (MANE Select); coding-DNA position 538, C replaced by T.
Protein change: p.Pro180Ser; replaces proline 180 with serine.
Molecular consequence: missense variant.
Genome position (GRCh38, 1-based): chr1:40,311,268, G>A on the plus strand (C>T on the coding strand, the complement: COL9A2 is on the minus strand). VCF-style: chr1-40311268-G-A. GRCh37 (hg19) VCF-style: chr1-40776940-G-A.
Other names: short protein forms P180S.
Identifiers: ClinVar variation 2105425 (VCV002105425.4), dbSNP rs750549213, ClinGen allele CA339855955.
Genomic context (GRCh38, chr1:40,311,268, plus strand): 5'-GATTCAGGCCAGGAGCTCTCACCTTCACTCCCTGCAGCCCTGGGGGACCTTTCATTCCGG[G>A]TGGACAGTTGGTTGGACACTGGAAACAGAAAATCCCACAGGGTCCTGTGATCAGCTGGGC-3'
Protein context (NP_001843.1, residues 170-190): ADFLCPTNCP[Pro180Ser]GMKGPPGLQG

ClinVar aggregate classification (germline): Uncertain significance (1 of 4 stars; one submission).

Submission:

Labcorp Genetics (formerly Invitae), Labcorp
Classification: Uncertain significance. Last evaluated: 2022-03-01. Review status: criteria provided, single submitter. Criteria: Invitae Variant Classification Sherloc (09022015). Collection method: clinical testing. Allele origin: germline.
Comment: In summary, the available evidence is currently insufficient to determine the role of this variant in disease. Therefore, it has been classified as a Variant of Uncertain Significance. Advanced modeling of protein sequence and biophysical properties (such as structural, functional, and spatial information, amino acid conservation, physicochemical variation, residue mobility, and thermodynamic stability) performed at Invitae indicates that this missense variant is not expected to disrupt COL9A2 protein function. This variant has not been reported in the literature in individuals affected with COL9A2-related conditions. This variant is not present in population databases (gnomAD no frequency). This sequence change replaces proline, which is neutral and non-polar, with serine, which is neutral and polar, at codon 180 of the COL9A2 protein (p.Pro180Ser).